The following is an entry in ClinVar:

NM_004304.5(ALK):c.667+5G>A

Gene: ALK (ALK receptor tyrosine kinase; minus strand). Cytogenetic location: 2p23.1.
Variant type: single nucleotide variant.
Coding change: c.667+5G>A on transcript NM_004304.5 (MANE Select); 5 bases into the intron after coding-DNA position 667, G replaced by A.
Molecular consequence: intron variant.
Genome position (GRCh38, 1-based): chr2:29,919,988, C>T on the plus strand (G>A on the coding strand, the complement: ALK is on the minus strand). VCF-style: chr2-29919988-C-T. GRCh37 (hg19) VCF-style: chr2-30142854-C-T.
Identifiers: ClinVar variation 4040592 (VCV004040592.1).

ClinVar aggregate classification (germline): Uncertain significance (1 of 4 stars; one submission).

Conditions:
Hereditary cancer-predisposing syndrome. Also called: Neoplastic Syndromes, Hereditary; Tumor predisposition; Hereditary neoplastic syndrome; Hereditary Cancer Syndrome. Identifiers: Orphanet 140162, MedGen C0027672, MeSH D009386, MONDO:0015356.

gnomAD v4.1: 1 of 1,613,176 alleles (0.000062%); highest among the groups gnomAD compares: Non-Finnish European, 0.000085%; no homozygotes.

Submission:

Ambry Genetics
Classification: Uncertain significance for Hereditary cancer-predisposing syndrome. Last evaluated: 2025-05-01. Review status: criteria provided, single submitter. Criteria: Ambry Variant Classification Scheme 2023. Collection method: clinical testing. Allele origin: germline.
Comment: The c.667+5G>A intronic variant results from a G to A substitution 5 nucleotides after coding exon 1 in the ALK gene. This nucleotide position is highly conserved in available vertebrate species. In silico splice site analysis predicts that this alteration will weaken the native splice donor site. Based on the available evidence, the clinical significance of this variant remains unclear.